The following is an entry in ClinVar:

ClinVar aggregate classification (germline): Likely benign. Review status: criteria provided, multiple submitters, no conflicts (2 of 4 stars). 2 submissions from 2 submitters: Likely benign (2). Last evaluated 2026-01-20.

Conditions:
Tuberous sclerosis 2 (TSC2). Identifiers: Orphanet 805, MedGen C1860707, MONDO:0013199, OMIM 613254.

gnomAD v4.1: 3 of 1,613,792 alleles (0.00019%); highest among the groups gnomAD compares: Non-Finnish European, 0.00025%; no homozygotes.

Submissions (2):

Labcorp Genetics (formerly Invitae), Labcorp
Classification: Likely benign for Tuberous sclerosis 2. Last evaluated: 2026-01-20. Review status: criteria provided, single submitter. Criteria: Invitae Variant Classification Sherloc (09022015). Collection method: clinical testing. Allele origin: germline.

Myriad Genetics, Inc.
Classification: Likely benign for Tuberous sclerosis 2. Last evaluated: 2025-05-19. Review status: criteria provided, single submitter. Criteria: Myriad Autosomal Dominant, Autosomal Recessive and X-Linked Classification Criteria (2023). Collection method: clinical testing. Allele origin: unknown.
Comment: This variant is considered likely benign. This variant is intronic and is not expected to impact mRNA splicing.

NM_000548.5(TSC2):c.2220+9G>A

Gene: TSC2 (TSC complex subunit 2; plus strand). Cytogenetic location: 16p13.3.
Variant type: single nucleotide variant.
Coding change: c.2220+9G>A on transcript NM_000548.5 (MANE Select); 9 bases into the intron after coding-DNA position 2220, G replaced by A.
Molecular consequence: intron variant.
Genome position (GRCh38, 1-based): chr16:2,072,372, G>A. VCF-style: chr16-2072372-G-A. GRCh37 (hg19) VCF-style: chr16-2122373-G-A.
Other names: c.2220+9G>A (NM_001114382.3, NM_021055.3, NM_001370405.1 and 3 more transcripts); c.2109+9G>A (NM_001318827.2); c.1620+9G>A (NM_001318831.2); c.2073+9G>A (NM_001318829.2); c.2253+9G>A (NM_001318832.2).
Identifiers: ClinVar variation 1953266 (VCV001953266.6), dbSNP rs1433200235, ClinGen allele CA620375129.